The following is an entry in ClinVar:

NM_201384.3(PLEC):c.5917C>G (p.Arg1973Gly)

Gene: PLEC (plectin; minus strand). Cytogenetic location: 8q24.3.
Variant type: single nucleotide variant.
Coding change: c.5917C>G on transcript NM_201384.3 (MANE Select); coding-DNA position 5917, C replaced by G.
Protein change: p.Arg1973Gly; replaces arginine 1973 with glycine.
Molecular consequence: missense variant.
Genome position (GRCh38, 1-based): chr8:143,924,012, G>C on the plus strand (C>G on the coding strand, the complement: PLEC is on the minus strand). VCF-style: chr8-143924012-G-C. GRCh37 (hg19) VCF-style: chr8-144998180-G-C.
Other names: c.5998C>G (NM_000445.4); c.5998C>G, p.Arg2000Gly (NM_000445.5); c.5875C>G, p.Arg1959Gly (NM_201378.4); c.5851C>G, p.Arg1951Gly (NM_201379.3); c.6328C>G, p.Arg2110Gly (NM_201380.4); c.5821C>G, p.Arg1941Gly (NM_201381.3); c.5917C>G, p.Arg1973Gly (NM_201382.4); c.5929C>G, p.Arg1977Gly (NM_201383.3); short protein forms R1973G, R2000G, R1951G, R1977G, R2110G, R1941G, R1959G.
Identifiers: ClinVar variation 1943700 (VCV001943700.6), dbSNP rs80338756, ClinGen allele CA372540795.

ClinVar aggregate classification (germline): Uncertain significance. Review status: criteria provided, multiple submitters, no conflicts (2 of 4 stars). 2 submissions from 2 submitters: Uncertain significance (2). Last evaluated 2026-08-18.

Conditions:
PLEC-related disorder. Also called: PLEC-related condition; PLEC-related disorders.
Epidermolysis bullosa simplex, Ogna type (EBS5A). Also called: Pidermolysis bullosa simplex 5A, Ogna type; EPIDERMOLYSIS BULLOSA SIMPLEX 5A, OGNA TYPE. Identifiers: Orphanet 79401, MedGen C0432317, MONDO:0007555, OMIM 131950.
Epidermolysis bullosa simplex 5B, with muscular dystrophy (EBS5B). Also called: Epidermolysis bullosa simplex with muscular dystrophy; EPIDERMOLYSIS BULLOSA SIMPLEX AND LIMB-GIRDLE MUSCULAR DYSTROPHY. Identifiers: Orphanet 257, MedGen C2931072, MONDO:0009181, OMIM 226670.
Epidermolysis bullosa simplex 5C, with pyloric atresia (EBS5C). Also called: PLEC-Related Epidermolysis Bullosa with Pyloric Atresia; Epidermolysis bullosa simplex with pyloric atresia; PLEC1-Related Epidermolysis Bullosa with Pyloric Atresia. Identifiers: Orphanet 158684, MedGen C2677349, MONDO:0012807, OMIM 612138.
Autosomal recessive limb-girdle muscular dystrophy type 2Q (LGMDR17). Also called: MUSCULAR DYSTROPHY, LIMB-GIRDLE, AUTOSOMAL RECESSIVE 17. Identifiers: Orphanet 254361, MedGen C3150989, MONDO:0013390, OMIM 613723.
Epidermolysis bullosa simplex with nail dystrophy (EBS5D). Identifiers: MedGen C4225309, MONDO:0014661, OMIM 616487.

gnomAD v4.1: 3 of 1,588,254 alleles (0.00019%); highest among the groups gnomAD compares: Non-Finnish European, 0.00026%; no homozygotes.

Submissions (2):

PreventionGenetics, part of Exact Sciences
Classification: Uncertain significance for PLEC-related condition. Last evaluated: 2026-08-18. Review status: criteria provided, single submitter. Criteria: ACMG Guidelines, 2015. Collection method: clinical testing. Allele origin: germline.
Comment: The PLEC c.5998C>G variant is predicted to result in the amino acid substitution p.Arg2000Gly. To our knowledge, this variant has not been reported in the literature or in a large population database (gnomAD), indicating this variant is rare. At this time, the clinical significance of this variant is uncertain due to the absence of conclusive functional and genetic evidence.

Labcorp Genetics (formerly Invitae), Labcorp
Classification: Uncertain significance for Autosomal recessive limb-girdle muscular dystrophy type 2Q; Epidermolysis bullosa simplex, Ogna type; Epidermolysis bullosa simplex with nail dystrophy; Epidermolysis bullosa simplex 5C, with pyloric atresia; Epidermolysis bullosa simplex 5B, with muscular dystrophy. Last evaluated: 2022-07-03. Review status: criteria provided, single submitter. Criteria: Invitae Variant Classification Sherloc (09022015). Collection method: clinical testing. Allele origin: germline.
Comment: This sequence change replaces arginine, which is basic and polar, with glycine, which is neutral and non-polar, at codon 2000 of the PLEC protein (p.Arg2000Gly). This variant is not present in population databases (gnomAD no frequency). This variant has not been reported in the literature in individuals affected with PLEC-related conditions. Algorithms developed to predict the effect of missense changes on protein structure and function are either unavailable or do not agree on the potential impact of this missense change (SIFT: "Deleterious"; PolyPhen-2: "Not Available"; Align-GVGD: "Class C45"). This variant disrupts the p.Arg2000 amino acid residue in PLEC. Other variant(s) that disrupt this residue have been determined to be pathogenic (PMID: 11851880, 22854623, 29453417). This suggests that this residue is clinically significant, and that variants that disrupt this residue are likely to be disease-causing. In summary, the available evidence is currently insufficient to determine the role of this variant in disease. Therefore, it has been classified as a Variant of Uncertain Significance.

Literature cited by the submitters: PubMed 11851880 (cited by Labcorp Genetics (formerly Invitae), Labcorp); PubMed 22854623 (cited by Labcorp Genetics (formerly Invitae), Labcorp); PubMed 29453417 (cited by Labcorp Genetics (formerly Invitae), Labcorp).